The following is an entry in ClinVar:

NM_015702.3(MMADHC):c.857A>C (p.Asp286Ala)

Gene: MMADHC (metabolism of cobalamin associated D; minus strand). Cytogenetic location: 2q23.2.
Variant type: single nucleotide variant.
Coding change: c.857A>C on transcript NM_015702.3 (MANE Select); coding-DNA position 857, A replaced by C.
Protein change: p.Asp286Ala; replaces aspartic acid 286 with alanine.
Molecular consequence: missense variant.
Genome position (GRCh38, 1-based): chr2:149,570,008, T>G on the plus strand (A>C on the coding strand, the complement: MMADHC is on the minus strand). VCF-style: chr2-149570008-T-G. GRCh37 (hg19) VCF-style: chr2-150426522-T-G.
Other names: short protein forms D286A.
Identifiers: ClinVar variation 1716631 (VCV001716631.5), dbSNP rs1573873718, ClinGen allele CA348868785.

ClinVar aggregate classification (germline): Uncertain significance (1 of 4 stars; one submission).

Conditions:
Methylmalonic aciduria and homocystinuria type cblD (MAHCD). Also called: METHYLMALONIC ACIDEMIA, cblH TYPE; Methylmalonic aciduria with homocystinuria cblD type. Identifiers: Orphanet 622, Orphanet 79283, MedGen C1848552, MONDO:0010185, OMIM 277410.

Submission:

Labcorp Genetics (formerly Invitae), Labcorp
Classification: Uncertain significance for Methylmalonic aciduria and homocystinuria type cblD. Last evaluated: 2022-08-17. Review status: criteria provided, single submitter. Criteria: Invitae Variant Classification Sherloc (09022015). Collection method: clinical testing. Allele origin: germline.
Comment: This variant has not been reported in the literature in individuals affected with MMADHC-related conditions. This sequence change replaces aspartic acid, which is acidic and polar, with alanine, which is neutral and non-polar, at codon 286 of the MMADHC protein (p.Asp286Ala). This variant is not present in population databases (gnomAD no frequency). Algorithms developed to predict the effect of missense changes on protein structure and function (SIFT, PolyPhen-2, Align-GVGD) all suggest that this variant is likely to be tolerated. In summary, the available evidence is currently insufficient to determine the role of this variant in disease. Therefore, it has been classified as a Variant of Uncertain Significance.